The following is an entry in ClinVar:

ClinVar aggregate classification (germline): Uncertain significance. Review status: reviewed by expert panel (3 of 4 stars). 3 submissions from 3 submitters: Uncertain significance (1). 2 of the submissions do not count toward it. Last evaluated 2025-08-01.

Conditions:
Malignant hyperthermia, susceptibility to, 1 (MHS1). Also called: RYR1-Related Malignant Hyperthermia Susceptibility; Malignant hyperthermia suceptibility 1; Anesthesia related hyperthermia; Malignant hyperpyrexia; Fulminating hyperpyrexia; Pharmacogenic myopathy. Identifiers: Orphanet 423, MedGen C2930980, MONDO:0007783, OMIM 145600.

Submissions (3):

ClinGen Malignant Hyperthermia Susceptibility Variant Curation Expert Panel, ClinGen
Classification: Uncertain significance for Malignant hyperthermia, susceptibility to, 1. Last evaluated: 2025-08-01. Review status: reviewed by expert panel. Criteria: ClinGen MHS ACMG Specifications V2. Collection method: curation. Allele origin: germline. Inheritance: Autosomal dominant inheritance. Study: ClinGen.
Comment: This pathogenicity assessment is relevant only for malignant hyperthermia susceptibility (MHS) inherited in an autosomal dominant pattern. Variants in RYR1 can also cause other myopathies inherited in an autosomal dominant pattern or in an autosomal recessive pattern. Some of these disorders may predispose individuals to malignant hyperthermia. RYR1 variants may also contribute to a malignant hyperthermia reaction in combination with other genetic and non-genetic factors and the clinician needs to consider such factors in making management decisions. This sequence variant predicts a substitution of glycine with arginine at codon 165 of the RYR1 protein, p.(Gly165Arg). This variant was not present in a large population database (gnomAD) at the time this variant was interpreted. This variant has been reported in an individual with a personal or family history of an MH episode and a positive in vitro contracture test (IVCT) or caffeine halothane contracture test (CHCT) result (if the proband was unavailable for testing, a positive diagnostic test result in a mutation-positive relative was counted), PS4_Supporting (PMID:16163667). No functional studies were identified for this variant. This variant resides in a region of RYR1 considered to be a hotspot for pathogenic variants that contribute to MHS, PM1 (PMID: 21118704). A REVEL score >0.85 (0.957) supports a pathogenic status for this variant, PP3_Moderate. This variant has been classified as a Variant of Unknown Significance. Criteria implemented: PS4_Supporting, PM1, PP3_Moderate.

All of Us Research Program, National Institutes of Health
Classification: Uncertain significance for Malignant hyperthermia, susceptibility to, 1. Last evaluated: 2023-04-15. Review status: criteria provided, single submitter. Criteria: ACMG Guidelines, 2015. Collection method: clinical testing. Allele origin: germline. Inheritance: Autosomal dominant inheritance. Observed: 1 variant allele, 1 heterozygote. Not counted in ClinVar's aggregate classification.
Comment: This study involves interpretation of variants in research participants for the purpose of population health screening. Participant phenotype was not available at the time of variant classification. Additional details can be found in publication PMID: 35346344, PMCID: PMC8962531

RYR1 database
No classification provided. Review status: no classification provided. Collection method: not provided. Allele origin: unknown. Not counted in ClinVar's aggregate classification.

NM_000540.3(RYR1):c.493G>A (p.Gly165Arg)

Gene: RYR1 (ryanodine receptor 1; plus strand). Cytogenetic location: 19q13.2.
Variant type: single nucleotide variant.
Coding change: c.493G>A on transcript NM_000540.3 (MANE Select); coding-DNA position 493, G replaced by A.
Protein change: p.Gly165Arg; replaces glycine 165 with arginine.
Molecular consequence: missense variant.
Genome position (GRCh38, 1-based): chr19:38,444,217, G>A. VCF-style: chr19-38444217-G-A. GRCh37 (hg19) VCF-style: chr19-38934857-G-A.
Other names: NM_000540.2(RYR1):c.493G>A; c.493G>A, p.Gly165Arg (NM_001042723.2); short protein forms G165R.
Identifiers: ClinVar variation 133139 (VCV000133139.5), dbSNP rs193922754, ClinGen allele CA024473.